The following is an entry in ClinVar:

NM_005726.6(TSFM):c.286A>G (p.Lys96Glu)

Gene: TSFM (Ts translation elongation factor, mitochondrial; plus strand). Cytogenetic location: 12q14.1.
Variant type: single nucleotide variant.
Coding change: c.286A>G on transcript NM_005726.6 (MANE Select); coding-DNA position 286, A replaced by G.
Protein change: p.Lys96Glu; replaces lysine 96 with glutamic acid.
Molecular consequence: missense variant.
Genome position (GRCh38, 1-based): chr12:57,786,217, A>G. VCF-style: chr12-57786217-A-G. GRCh37 (hg19) VCF-style: chr12-58180000-A-G.
Other names: c.286A>G, p.Lys96Glu (NM_001172695.2, NM_001172696.2, NM_001172697.2); short protein forms K96E.
Identifiers: ClinVar variation 1713583 (VCV001713583.5), dbSNP rs2540949209, ClinGen allele CA385525270.
Genomic context (GRCh38, chr12:57,786,217, plus strand): 5'-TTACAGGCAGAGATCTGGCTCCACAAGGAGGCCCAGAAGGAGGGCTGGAGCAAAGCTGCC[A>G]AGCTCCAAGGGAGGAAGACCAAAGAAGGCCTGATTGGGCTGTTGCAGGAAGGAAACACAA-3'
Protein context (NP_005717.3, residues 86-106): AQKEGWSKAA[Lys96Glu]LQGRKTKEGL

ClinVar aggregate classification (germline): Uncertain significance (1 of 4 stars; one submission).

Submission:

Labcorp Genetics (formerly Invitae), Labcorp
Classification: Uncertain significance. Last evaluated: 2022-07-25. Review status: criteria provided, single submitter. Criteria: Invitae Variant Classification Sherloc (09022015). Collection method: clinical testing. Allele origin: germline.
Comment: In summary, the available evidence is currently insufficient to determine the role of this variant in disease. Therefore, it has been classified as a Variant of Uncertain Significance. Algorithms developed to predict the effect of missense changes on protein structure and function are either unavailable or do not agree on the potential impact of this missense change (SIFT: "Deleterious"; PolyPhen-2: "Probably Damaging"; Align-GVGD: "Class C15"). This variant has not been reported in the literature in individuals affected with TSFM-related conditions. This variant is not present in population databases (gnomAD no frequency). This sequence change replaces lysine, which is basic and polar, with glutamic acid, which is acidic and polar, at codon 96 of the TSFM protein (p.Lys96Glu).